The following is an entry in ClinVar:

ClinVar aggregate classification (germline): Likely benign (1 of 4 stars; one submission).

Submission:

CeGaT Center for Human Genetics Tuebingen
Classification: Likely benign. Last evaluated: 2024-08-01. Review status: criteria provided, single submitter. Criteria: CeGaT Center For Human Genetics Tuebingen Variant Classification Criteria Version 2. Collection method: clinical testing. Allele origin: germline. Affected: yes. Observed: 7 variant alleles.
Comment: IQSEC2: BP4, BP7

NM_001111125.3(IQSEC2):c.3543A>C (p.Pro1181=)

Gene: IQSEC2 (IQ motif and Sec7 domain ArfGEF 2; minus strand). Cytogenetic location: Xp11.22.
Variant type: single nucleotide variant.
Coding change: c.3543A>C on transcript NM_001111125.3 (MANE Select); coding-DNA position 3543, A replaced by C.
Protein change: p.Pro1181=; no amino-acid change (proline 1181 retained).
Molecular consequence: synonymous variant. On other transcripts: 3 prime UTR variant (2).
Genome position (GRCh38, 1-based): chrX:53,235,143, T>G on the plus strand (A>C on the coding strand, the complement: IQSEC2 is on the minus strand). VCF-style: chrX-53235143-T-G. GRCh37 (hg19) VCF-style: chrX-53264325-T-G.
Other names: c.*28A>C (NM_001410736.1, NM_015075.2).
Identifiers: ClinVar variation 2660600 (VCV002660600.24), dbSNP rs2519676304, ClinGen allele CA516674068.
Genomic context (GRCh38, chrX:53,235,143, plus strand): 5'-GGAGTTGGAGACGGGCCTCTGGCTCTTGTACTCCTCTGGCGGCGGGGGTGGGGGCGGAGG[T>G]GGCATCCTCTGGTGAGGGCGTGGACTGCTAATAACAGACCCCTGGAAGCGGGGAGGGGGG-3'
Protein context (NP_001104595.1, residues 1171-1191): ISSPRPHQRM[Pro1181=]PPPPPPPPEE